The following is an entry in ClinVar:

ClinVar aggregate classification (germline): Conflicting classifications of pathogenicity. Review status: criteria provided, conflicting classifications (1 of 4 stars). 2 submissions from 2 submitters: Uncertain significance (1); Likely benign (1). Last evaluated 2024-12-07.

Conditions:
Aortic aneurysm, familial thoracic 7 (AAT7). Also called: AORTIC DISSECTION, FAMILIAL, WITH OR WITHOUT AORTIC ANEURYSM. Identifiers: MedGen C3151077, MONDO:0013418, OMIM 613780.
Familial thoracic aortic aneurysm and aortic dissection (TAAD). Also called: Thoracic aortic aneurysms and dissections. Identifiers: Orphanet 91387, MedGen C4707243, MONDO:0019625.

Allele frequency attached by ClinVar (database versions not stated): gnomAD exomes below 0.00001 and 0.00001; ExAC 0.00001.
gnomAD v4.1: 2 of 1,614,240 alleles (0.00012%); highest among the groups gnomAD compares: Admixed American, 0.0033%; no homozygotes.

Submissions (2):

Ambry Genetics
Classification: Likely benign for Familial thoracic aortic aneurysm and aortic dissection. Last evaluated: 2024-12-07. Review status: criteria provided, single submitter. Criteria: Ambry Variant Classification Scheme 2023. Collection method: clinical testing. Allele origin: germline.

Labcorp Genetics (formerly Invitae), Labcorp
Classification: Uncertain significance for Aortic aneurysm, familial thoracic 7. Last evaluated: 2021-08-24. Review status: criteria provided, single submitter. Criteria: Invitae Variant Classification Sherloc (09022015). Collection method: clinical testing. Allele origin: germline.
Comment: This sequence change replaces arginine with lysine at codon 409 of the MYLK protein (p.Arg409Lys). The arginine residue is highly conserved and there is a small physicochemical difference between arginine and lysine. This variant is present in population databases (rs776506361, ExAC 0.009%). This variant has not been reported in the literature in individuals affected with MYLK-related conditions. Algorithms developed to predict the effect of missense changes on protein structure and function output the following: SIFT: "Tolerated"; PolyPhen-2: "Benign"; Align-GVGD: "Class C0". The lysine amino acid residue is found in multiple mammalian species, which suggests that this missense change does not adversely affect protein function. In summary, the available evidence is currently insufficient to determine the role of this variant in disease. Therefore, it has been classified as a Variant of Uncertain Significance.

NM_053025.4(MYLK):c.1226G>A (p.Arg409Lys)

Gene: MYLK (myosin light chain kinase; minus strand). Cytogenetic location: 3q21.1.
Variant type: single nucleotide variant.
Coding change: c.1226G>A on transcript NM_053025.4 (MANE Select); coding-DNA position 1226, G replaced by A.
Protein change: p.Arg409Lys; replaces arginine 409 with lysine.
Molecular consequence: missense variant.
Genome position (GRCh38, 1-based): chr3:123,733,770, C>T on the plus strand (G>A on the coding strand, the complement: MYLK is on the minus strand). VCF-style: chr3-123733770-C-T. GRCh37 (hg19) VCF-style: chr3-123452617-C-T.
Other names: c.698G>A, p.Arg233Lys (NM_001321309.2); c.1226G>A, p.Arg409Lys (NM_053026.4, NM_053027.4, NM_053028.4); short protein forms R409K, R233K.
Identifiers: ClinVar variation 570241 (VCV000570241.7), dbSNP rs776506361, ClinGen allele CA066843.